The following is an entry in ClinVar:

ClinVar aggregate classification (germline): Likely pathogenic (1 of 4 stars; one submission).

Submission:

Labcorp Genetics (formerly Invitae), Labcorp
Classification: Likely pathogenic. Last evaluated: 2022-06-14. Review status: criteria provided, single submitter. Criteria: Invitae Variant Classification Sherloc (09022015). Collection method: clinical testing. Allele origin: germline.
Comment: This sequence change replaces glycine, which is neutral and non-polar, with serine, which is neutral and polar, at codon 1192 of the COL4A1 protein (p.Gly1192Ser). This variant is not present in population databases (gnomAD no frequency). This variant has not been reported in the literature in individuals affected with COL4A1-related conditions. Advanced modeling of protein sequence and biophysical properties (such as structural, functional, and spatial information, amino acid conservation, physicochemical variation, residue mobility, and thermodynamic stability) performed at Invitae indicates that this missense variant is expected to disrupt COL4A1 protein function. This variant disrupts the triple helix domain of COL4A1. Glycine residues within the Gly-Xaa-Yaa repeats of the triple helix domain are required for the structure and stability of fibrillar collagens (PMID: 7695699, 8218237, 19344236). In COL4A1 variants affecting these glycine residues are significantly enriched in individuals with disease (PMID: 9016532, 17078022) compared to the general population (ExAC). In summary, the currently available evidence indicates that the variant is pathogenic, but additional data are needed to prove that conclusively. Therefore, this variant has been classified as Likely Pathogenic.

Literature cited by the submitters: PubMed 7695699; PubMed 8218237; PubMed 19344236; PubMed 9016532; PubMed 17078022.

NM_001845.6(COL4A1):c.3574G>A (p.Gly1192Ser)

Gene: COL4A1 (collagen type IV alpha 1 chain; minus strand). Cytogenetic location: 13q34.
Variant type: single nucleotide variant.
Coding change: c.3574G>A on transcript NM_001845.6 (MANE Select); coding-DNA position 3574, G replaced by A.
Protein change: p.Gly1192Ser; replaces glycine 1192 with serine.
Molecular consequence: missense variant.
Genome position (GRCh38, 1-based): chr13:110,170,715, C>T on the plus strand (G>A on the coding strand, the complement: COL4A1 is on the minus strand). VCF-style: chr13-110170715-C-T. GRCh37 (hg19) VCF-style: chr13-110823062-C-T.
Other names: short protein forms G1192S.
Identifiers: ClinVar variation 2006462 (VCV002006462.4), dbSNP rs2139156269, ClinGen allele CA388663443.
Genomic context (GRCh38, chr13:110,170,715, plus strand): 5'-TGAATCCTTGCTCTCCTTTGGATCCAGGAATTCCTGGGCTCCCGGCTAATCCTGGGAAAC[C>T]CACCTCACCCTTTGAACCTGAACAAGAAAAACAGTTTGAGGTGATGGGAAACGCAGCAGC-3'
Protein context (NP_001836.3, residues 1182-1202): KGDKGSKGEV[Gly1192Ser]FPGLAGSPGI